The following is an entry in ClinVar:

NM_001089.3(ABCA3):c.2857G>A (p.Asp953Asn)

Gene: ABCA3 (ATP binding cassette subfamily A member 3; minus strand). Cytogenetic location: 16p13.3.
Variant type: single nucleotide variant.
Coding change: c.2857G>A on transcript NM_001089.3 (MANE Select); coding-DNA position 2857, G replaced by A.
Protein change: p.Asp953Asn; replaces aspartic acid 953 with asparagine.
Molecular consequence: missense variant.
Genome position (GRCh38, 1-based): chr16:2,288,173, C>T on the plus strand (G>A on the coding strand, the complement: ABCA3 is on the minus strand). VCF-style: chr16-2288173-C-T. GRCh37 (hg19) VCF-style: chr16-2338174-C-T.
Other names: short protein forms D953N.
Identifiers: ClinVar variation 886471 (VCV000886471.44), dbSNP rs138092785, ClinGen allele CA7840686.
Genomic context (GRCh38, chr16:2,288,173, plus strand): 5'-GAACTGAGAAGGGCACGACGGTTCTGCCGTACTCGCCCAAGGTCAGCCTCAGCATGGGGT[C>T]GTCGAAGAGCTCCGAGGAGTAGTTGATGGCCAGGAGGGCCAGGGTGACGCAGGTCAGAGG-3'
Protein context (NP_001080.2, residues 943-963): AINYSSELFD[Asp953Asn]PMLRLTLGEY

ClinVar aggregate classification (germline): Conflicting classifications of pathogenicity. Review status: criteria provided, conflicting classifications (1 of 4 stars). 5 submissions from 5 submitters: Uncertain significance (4); Likely benign (1). Last evaluated 2024-03-16.

Conditions:
Hereditary pulmonary alveolar proteinosis. Also called: Pulmonary surfactant metabolism dysfunction. Identifiers: Orphanet 264675, MedGen C3711368, MONDO:0012580.
Interstitial lung disease 2 (ILD2). Also called: Familial idiopathic pulmonary fibrosis; FIBROCYSTIC PULMONARY DYSPLASIA; FIBROSING ALVEOLITIS, CRYPTOGENIC. Identifiers: Orphanet 2032, Orphanet 79126, MedGen C5561926, MONDO:0800497, OMIM 178500, MONDO:0800029.
Interstitial lung disease due to ABCA3 deficiency. Also called: PULMONARY ALVEOLAR PROTEINOSIS, CONGENITAL, 3. Identifiers: Orphanet 440402, MedGen C1970456, MONDO:0012582, OMIM 610921.

Allele frequency attached by ClinVar (database versions not stated): gnomAD exomes 0.00011; gnomAD 0.00012; ExAC 0.00013; ESP Exome Variant Server 0.00015; TOPMed 0.00020.
gnomAD v4.1: 192 of 1,607,806 alleles (0.012%); highest among the groups gnomAD compares: Middle Eastern, 0.016%; 1 homozygote.

Submissions (5):

Labcorp Genetics (formerly Invitae), Labcorp
Classification: Uncertain significance. Last evaluated: 2024-03-16. Review status: criteria provided, single submitter. Criteria: Invitae Variant Classification Sherloc (09022015). Collection method: clinical testing. Allele origin: germline.
Comment: This sequence change replaces aspartic acid, which is acidic and polar, with asparagine, which is neutral and polar, at codon 953 of the ABCA3 protein (p.Asp953Asn). This variant is present in population databases (rs138092785, gnomAD 0.02%). This variant has not been reported in the literature in individuals affected with ABCA3-related conditions. ClinVar contains an entry for this variant (Variation ID: 886471). Advanced modeling of protein sequence and biophysical properties (such as structural, functional, and spatial information, amino acid conservation, physicochemical variation, residue mobility, and thermodynamic stability) performed at Invitae indicates that this missense variant is not expected to disrupt ABCA3 protein function with a negative predictive value of 80%. In summary, the available evidence is currently insufficient to determine the role of this variant in disease. Therefore, it has been classified as a Variant of Uncertain Significance.

Alder lab, University of Pittsburgh
Classification: Uncertain significance for Interstitial lung disease 2. Last evaluated: 2022-08-01. Review status: criteria provided, single submitter. Criteria: ACMG Guidelines, 2015. Collection method: research. Allele origin: germline. Affected: yes.

CeGaT Center for Human Genetics Tuebingen
Classification: Uncertain significance. Last evaluated: 2021-05-01. Review status: criteria provided, single submitter. Criteria: CeGaT Center For Human Genetics Tuebingen Variant Classification Criteria Version 2. Collection method: clinical testing. Allele origin: germline. Affected: yes. Observed: 1 variant allele.

Illumina Laboratory Services, Illumina
Classification: Uncertain significance for Interstitial lung disease due to ABCA3 deficiency. Last evaluated: 2017-04-27. Review status: criteria provided, single submitter. Criteria: ICSL Variant Classification Criteria 13 December 2019. Collection method: clinical testing. Allele origin: germline.
Comment: This variant was observed as part of a predisposition screen in an ostensibly healthy population. A literature search was performed for the gene, cDNA change, and amino acid change (where applicable). Publications were found based on this search. However, the evidence from the literature, in combination with allele frequency data from public databases where available, was not sufficient to rule this variant in or out of causing disease. Therefore, this variant is classified as a variant of unknown significance.

Ambry Genetics
Classification: Likely benign for Hereditary pulmonary alveolar proteinosis. Last evaluated: 2016-03-16. Review status: criteria provided, single submitter. Criteria: Ambry Variant Classification Scheme 2023. Collection method: clinical testing. Allele origin: germline.

Literature cited by the submitters: PubMed 24871971 (cited by Illumina Laboratory Services, Illumina).